The following is an entry in ClinVar:

NM_000173.7(GP1BA):c.774C>T (p.Asn258=)

Gene: GP1BA (glycoprotein Ib platelet subunit alpha; plus strand). Cytogenetic location: 17p13.2.
Variant type: single nucleotide variant.
Coding change: c.774C>T on transcript NM_000173.7 (MANE Select); coding-DNA position 774, C replaced by T.
Protein change: p.Asn258=; no amino-acid change (asparagine 258 retained).
Molecular consequence: synonymous variant.
Genome position (GRCh38, 1-based): chr17:4,933,378, C>T. VCF-style: chr17-4933378-C-T. GRCh37 (hg19) VCF-style: chr17-4836673-C-T.
Other names: p.Asn258=.
Identifiers: ClinVar variation 255469 (VCV000255469.14), dbSNP rs6066, ClinGen allele CA8314827.

ClinVar aggregate classification (germline): Benign/Likely benign. Review status: criteria provided, multiple submitters, no conflicts (2 of 4 stars). 6 submissions from 6 submitters: Benign (5); Likely benign (1). Last evaluated 2026-02-04.

Allele frequency attached by ClinVar (database versions not stated): 1000 Genomes Project 0.01118; 1000 Genomes Project 30x 0.01312; gnomAD 0.02179 and 0.02286; gnomAD exomes 0.02185 and 0.03286; ExAC 0.02223; TOPMed 0.02262; ESP Exome Variant Server 0.02430.
gnomAD v4.1: 51,010 of 1,613,822 alleles (3.2%); highest among the groups gnomAD compares: Non-Finnish European, 3.9%; 1,000 homozygotes.

Submissions (6):

Labcorp Genetics (formerly Invitae), Labcorp
Classification: Benign. Last evaluated: 2026-02-04. Review status: criteria provided, single submitter. Criteria: Invitae Variant Classification Sherloc (09022015). Collection method: clinical testing. Allele origin: germline.

Mayo Clinic Laboratories, Mayo Clinic
Classification: Benign. Last evaluated: 2025-09-22. Review status: criteria provided, single submitter. Criteria: ACMG Guidelines, 2015. Collection method: clinical testing. Allele origin: germline. Observed: 57 variant alleles.
Comment: BS1, BS2, BP4, BP7

Blueprint Genetics
Classification: Likely benign. Last evaluated: 2024-11-27. Review status: criteria provided, single submitter. Criteria: ACMG Guidelines, 2015. Collection method: clinical testing. Allele origin: germline.

ARUP Laboratories, Molecular Genetics and Genomics, ARUP Laboratories
Classification: Benign. Last evaluated: 2019-07-30. Review status: criteria provided, single submitter. Criteria: ARUP Molecular Germline Variant Investigation Process. Collection method: clinical testing. Allele origin: germline.

Breakthrough Genomics
Classification: Benign. Review status: criteria provided, single submitter. Criteria: ACMG Guidelines, 2015. Collection method: not provided. Allele origin: germline. Inheritance: Autosomal recessive inheritance. Affected: yes.

PreventionGenetics, part of Exact Sciences
Classification: Benign. Review status: criteria provided, single submitter. Criteria: ACMG Guidelines, 2015. Collection method: clinical testing. Allele origin: germline.